The following is an entry in ClinVar:

NM_001845.6(COL4A1):c.2968+12A>G

Gene: COL4A1 (collagen type IV alpha 1 chain; minus strand). Cytogenetic location: 13q34.
Variant type: single nucleotide variant.
Coding change: c.2968+12A>G on transcript NM_001845.6 (MANE Select); 12 bases into the intron after coding-DNA position 2968, A replaced by G.
Molecular consequence: intron variant.
Genome position (GRCh38, 1-based): chr13:110,176,614, T>C on the plus strand (A>G on the coding strand, the complement: COL4A1 is on the minus strand). VCF-style: chr13-110176614-T-C. GRCh37 (hg19) VCF-style: chr13-110828961-T-C.
Identifiers: ClinVar variation 311046 (VCV000311046.18), dbSNP rs752476229, ClinGen allele CA7047444.
Genomic context (GRCh38, chr13:110,176,614, plus strand): 5'-CAGAAAGAGCTGGGGAACACAGGCCTCATCCTGAGCCCTTGCCACACTGGGGACCGGAGC[T>C]CCACACTGTACCTGGCTGCCCAGGCTGTCCTGCCTGCCCGTCCTTTCCAGGCACTCCTGG-3'

ClinVar aggregate classification (germline): Likely benign. Review status: criteria provided, multiple submitters, no conflicts (2 of 4 stars). 5 submissions from 4 submitters: Likely benign (5). Last evaluated 2026-01-28.

Conditions:
Brain small vessel disease 1 with or without ocular anomalies (BSVD1). Also called: PORENCEPHALY, TYPE 1, AUTOSOMAL DOMINANT; Brain small vessel disease with or without ocular anomalies; GOULD SYNDROME 1; BRAIN SMALL VESSEL DISEASE WITH HEMORRHAGE. Identifiers: Orphanet 2940, Orphanet 36383, Orphanet 99810, MedGen C4755307, MONDO:0008289, OMIM 175780.
Autosomal dominant familial hematuria-retinal arteriolar tortuosity-contractures syndrome. Also called: Hereditary Angiopathy with Nephropathy, Aneurysms, and Muscle Cramps (HANAC) Syndrome; Angiopathy, hereditary, with nephropathy, aneurysms, and muscle cramps. Identifiers: Orphanet 73229, MedGen C2673195, MONDO:0012726, OMIM 611773.

Allele frequency attached by ClinVar (database versions not stated): ExAC 0.00007; TOPMed 0.00009; gnomAD 0.00011 and 0.00012.
gnomAD v4.1: 163 of 1,612,644 alleles (0.01%); highest among the groups gnomAD compares: Non-Finnish European, 0.013%; no homozygotes.

Submissions (5):

Labcorp Genetics (formerly Invitae), Labcorp
Classification: Likely benign. Last evaluated: 2026-01-28. Review status: criteria provided, single submitter. Criteria: Invitae Variant Classification Sherloc (09022015). Collection method: clinical testing. Allele origin: germline.

Women's Health and Genetics/Laboratory Corporation of America, LabCorp
Classification: Likely benign. Last evaluated: 2025-05-19. Review status: criteria provided, single submitter. Criteria: LabCorp Variant Classification Summary - May 2015. Collection method: clinical testing. Allele origin: germline.
Comment: Variant summary: COL4A1 c.2968+12A>G alters a nucleotide located at a position not widely known to affect splicing. Consensus agreement among computation tools predict no significant impact on normal splicing. However, these predictions have yet to be confirmed by functional studies. The variant allele was found at a frequency of 9.2e-05 in 251154 control chromosomes. This frequency is not significantly higher than estimated for a pathogenic variant in COL4A1 causing Porencephaly 1, allowing no conclusion about variant significance. To our knowledge, no occurrence of c.2968+12A>G in individuals affected with Porencephaly 1 and no experimental evidence demonstrating its impact on protein function have been reported. ClinVar contains an entry for this variant (Variation ID: 311046). Based on the evidence outlined above, the variant was classified as likely benign.

Blueprint Genetics
Classification: Likely benign. Last evaluated: 2024-11-08. Review status: criteria provided, single submitter. Criteria: ACMG Guidelines, 2015. Collection method: clinical testing. Allele origin: germline.

Illumina Laboratory Services, Illumina
Classification: Likely benign for Autosomal dominant familial hematuria-retinal arteriolar tortuosity-contractures syndrome. Last evaluated: 2018-01-13. Review status: criteria provided, single submitter. Criteria: ICSL Variant Classification Criteria 13 December 2019. Collection method: clinical testing. Allele origin: germline.
Comment: This variant was observed in the ICSL laboratory as part of a predisposition screen in an ostensibly healthy population. It had not been previously curated by ICSL or reported in the Human Gene Mutation Database (HGMD: prior to June 1st, 2018), and was therefore a candidate for classification through an automated scoring system. Utilizing variant allele frequency, disease prevalence and penetrance estimates, and inheritance mode, an automated score was calculated to assess if this variant is too frequent to cause the disease. Based on the score and internal cut-off values, a variant classified as likely benign is not then subjected to further curation. The score for this variant resulted in a classification of likely benign for this disease.

Illumina Laboratory Services, Illumina
Classification: Likely benign for Brain small vessel disease 1 with or without ocular anomalies. Last evaluated: 2018-01-13. Review status: criteria provided, single submitter. Criteria: ICSL Variant Classification Criteria 13 December 2019. Collection method: clinical testing. Allele origin: germline.
Comment: the same text as in the submission from Illumina Laboratory Services, Illumina above.